The following is an entry in ClinVar:

NM_181458.4(PAX3):c.52C>T (p.Gln18Ter)

Genes: CCDC140 (CCDC140 long non-coding RNA; plus strand), PAX3 (paired box 3; minus strand). Cytogenetic location: 2q36.1.
Variant type: single nucleotide variant.
Coding change: c.52C>T on transcript NM_181458.4 (MANE Select); coding-DNA position 52, C replaced by T.
Protein change: p.Gln18Ter; replaces glutamine 18 with a stop codon.
Molecular consequence: nonsense.
Genome position (GRCh38, 1-based): chr2:222,298,564, G>A on the plus strand (C>T on the coding strand, the complement: PAX3 is on the minus strand). VCF-style: chr2-222298564-G-A. GRCh37 (hg19) VCF-style: chr2-223163283-G-A.
Other names: c.52C>T, p.Gln18Ter (NM_000438.6, NM_001127366.3, NM_013942.5 and 4 more transcripts); short protein forms Q18*.
Identifiers: ClinVar variation 3253402 (VCV003253402.1), dbSNP rs2469495332.

ClinVar aggregate classification (germline): Pathogenic (1 of 4 stars; one submission).

Submission:

GeneDx
Classification: Pathogenic. Last evaluated: 2024-01-30. Review status: criteria provided, single submitter. Criteria: GeneDx Variant Classification Process June 2021. Collection method: clinical testing. Allele origin: germline. Affected: yes.
Comment: Reported in patients with sensorineural hearing loss or features of Waardenburg syndrome in published literature (PMID: 36331148, 31581539); Nonsense variant predicted to result in protein truncation or nonsense mediated decay in a gene for which loss-of-function is a known mechanism of disease; Not observed at significant frequency in large population cohorts (gnomAD); This variant is associated with the following publications: (PMID: 36331148, 31581539)